The following is an entry in ClinVar:

ClinVar aggregate classification (germline): Uncertain significance (1 of 4 stars; one submission).

Conditions:
Hereditary cancer-predisposing syndrome. Also called: Neoplastic Syndromes, Hereditary; Hereditary neoplastic syndrome; Tumor predisposition; Hereditary Cancer Syndrome. Identifiers: Orphanet 140162, MedGen C0027672, MeSH D009386, MONDO:0015356.

Submission:

Ambry Genetics
Classification: Uncertain significance for Hereditary cancer-predisposing syndrome. Last evaluated: 2022-12-26. Review status: criteria provided, single submitter. Criteria: Ambry Variant Classification Scheme 2023. Collection method: clinical testing. Allele origin: germline.
Comment: The p.A821T variant (also known as c.2461G>A), located in coding exon 15 of the PMS2 gene, results from a G to A substitution at nucleotide position 2461. The alanine at codon 821 is replaced by threonine, an amino acid with similar properties. This amino acid position is conserved. In addition, the in silico prediction for this alteration is inconclusive. Since supporting evidence is limited at this time, the clinical significance of this alteration remains unclear.

NM_000535.7(PMS2):c.2461G>A (p.Ala821Thr)

Gene: PMS2 (PMS1 homolog 2, mismatch repair system component; minus strand). Cytogenetic location: 7p22.1.
Variant type: single nucleotide variant.
Coding change: c.2461G>A on transcript NM_000535.7 (MANE Select); coding-DNA position 2461, G replaced by A.
Protein change: p.Ala821Thr; replaces alanine 821 with threonine.
Molecular consequence: missense variant. On other transcripts: non-coding transcript variant (1).
Genome position (GRCh38, 1-based): chr7:5,973,527, C>T on the plus strand (G>A on the coding strand, the complement: PMS2 is on the minus strand). VCF-style: chr7-5973527-C-T. GRCh37 (hg19) VCF-style: chr7-6013158-C-T.
Other names: c.2056G>A, p.Ala686Thr (NM_001018040.1, NM_001322003.2, NM_001322004.2 and 12 more transcripts); c.2305G>A, p.Ala769Thr (NM_001322006.2); c.2143G>A, p.Ala715Thr (NM_001322007.2, NM_001322008.2, NM_001406883.1); c.2089G>A, p.Ala697Thr (NM_001322009.2, NM_001406887.1, NM_001406888.1); c.2152G>A, p.Ala718Thr (NM_001322015.2, NM_001406877.1, NM_001406878.1 and 4 more transcripts); c.2647G>A, p.Ala883Thr (NM_001406866.1); c.2485G>A, p.Ala829Thr (NM_001406868.1); c.2353G>A, p.Ala785Thr (NM_001406869.1); and 20 more; short protein forms A510T, A420T, A630T, A634T, A663T, A686T, A715T, A726T.
Identifiers: ClinVar variation 2470584 (VCV002470584.2), dbSNP rs2128659024, ClinGen allele CA366735013.